The following is an entry in ClinVar:

NM_005732.4(RAD50):c.2613A>C (p.Lys871Asn)

Gene: RAD50 (RAD50 double strand break repair protein; plus strand). Cytogenetic location: 5q31.1.
Variant type: single nucleotide variant.
Coding change: c.2613A>C on transcript NM_005732.4 (MANE Select); coding-DNA position 2613, A replaced by C.
Protein change: p.Lys871Asn; replaces lysine 871 with asparagine.
Molecular consequence: missense variant.
Genome position (GRCh38, 1-based): chr5:132,604,894, A>C. VCF-style: chr5-132604894-A-C. GRCh37 (hg19) VCF-style: chr5-131940586-A-C.
Other names: short protein forms K871N.
Identifiers: ClinVar variation 2729012 (VCV002729012.3), dbSNP rs2479668438, ClinGen allele CA360956566.
Genomic context (GRCh38, chr5:132,604,894, plus strand): 5'-GCTTATACAGGACCAGCAGGAACAGATTCAACATCTAAAAAGTACAACAAATGAGCTAAA[A>C]TCTGAGAAACTTCAGATATCCACTAATTTGCAACGTCGTCAGCAACTGGAGGAGCAGACT-3'
Protein context (NP_005723.2, residues 861-881): QHLKSTTNEL[Lys871Asn]SEKLQISTNL

ClinVar aggregate classification (germline): Uncertain significance (1 of 4 stars; one submission).

Conditions:
Hereditary cancer-predisposing syndrome. Also called: Hereditary Cancer Syndrome; Tumor predisposition; Neoplastic Syndromes, Hereditary; Hereditary neoplastic syndrome. Identifiers: Orphanet 140162, MedGen C0027672, MeSH D009386, MONDO:0015356.

Submission:

Labcorp Genetics (formerly Invitae), Labcorp
Classification: Uncertain significance for Hereditary cancer-predisposing syndrome. Last evaluated: 2023-06-25. Review status: criteria provided, single submitter. Criteria: Invitae Variant Classification Sherloc (09022015). Collection method: clinical testing. Allele origin: germline.
Comment: This variant has not been reported in the literature in individuals affected with RAD50-related conditions. This variant is not present in population databases (gnomAD no frequency). This sequence change replaces lysine, which is basic and polar, with asparagine, which is neutral and polar, at codon 871 of the RAD50 protein (p.Lys871Asn). In summary, the available evidence is currently insufficient to determine the role of this variant in disease. Therefore, it has been classified as a Variant of Uncertain Significance. Advanced modeling of protein sequence and biophysical properties (such as structural, functional, and spatial information, amino acid conservation, physicochemical variation, residue mobility, and thermodynamic stability) performed at Invitae indicates that this missense variant is not expected to disrupt RAD50 protein function.